The following is an entry in ClinVar:

ClinVar aggregate classification (germline): Uncertain significance (1 of 4 stars; one submission).

Conditions:
L-2-hydroxyglutaric aciduria (L2HGA). Identifiers: Orphanet 79314, MedGen C1855995, MONDO:0009370, OMIM 236792, HP:0040144.

Submission:

Labcorp Genetics (formerly Invitae), Labcorp
Classification: Uncertain significance for L-2-hydroxyglutaric aciduria. Last evaluated: 2024-05-15. Review status: criteria provided, single submitter. Criteria: Invitae Variant Classification Sherloc (09022015). Collection method: clinical testing. Allele origin: germline.
Comment: This sequence change replaces asparagine, which is neutral and polar, with lysine, which is basic and polar, at codon 299 of the L2HGDH protein (p.Asn299Lys). This variant is not present in population databases (gnomAD no frequency). This variant has not been reported in the literature in individuals affected with L2HGDH-related conditions. Advanced modeling of protein sequence and biophysical properties (such as structural, functional, and spatial information, amino acid conservation, physicochemical variation, residue mobility, and thermodynamic stability) performed at Invitae indicates that this missense variant is expected to disrupt L2HGDH protein function with a positive predictive value of 80%. In summary, the available evidence is currently insufficient to determine the role of this variant in disease. Therefore, it has been classified as a Variant of Uncertain Significance.

NM_024884.3(L2HGDH):c.897T>A (p.Asn299Lys)

Gene: L2HGDH (L-2-hydroxyglutarate dehydrogenase; minus strand). Cytogenetic location: 14q21.3.
Variant type: single nucleotide variant.
Coding change: c.897T>A on transcript NM_024884.3 (MANE Select); coding-DNA position 897, T replaced by A.
Protein change: p.Asn299Lys; replaces asparagine 299 with lysine.
Molecular consequence: missense variant.
Genome position (GRCh38, 1-based): chr14:50,269,172, A>T on the plus strand (T>A on the coding strand, the complement: L2HGDH is on the minus strand). VCF-style: chr14-50269172-A-T. GRCh37 (hg19) VCF-style: chr14-50735890-A-T.
Other names: c.897T>A, p.Asn299Lys (NM_001425212.1); c.786T>A, p.Asn262Lys (NM_001425213.1, NM_001425214.1); c.351T>A, p.Asn117Lys (NM_001425218.1, NM_001425215.1, NM_001425217.1 and 1 more transcripts); short protein forms N262K, N299K, N117K.
Identifiers: ClinVar variation 3652204 (VCV003652204.2).